The following is an entry in ClinVar:

ClinVar aggregate classification (germline): Conflicting classifications of pathogenicity. Review status: criteria provided, conflicting classifications (1 of 4 stars). 4 submissions from 4 submitters: Uncertain significance (1); Benign (1); Likely benign (2). Last evaluated 2026-05-31.

Conditions:
Hereditary cancer-predisposing syndrome. Also called: Tumor predisposition; Hereditary neoplastic syndrome; Neoplastic Syndromes, Hereditary; Hereditary Cancer Syndrome. Identifiers: Orphanet 140162, MedGen C0027672, MeSH D009386, MONDO:0015356.
Hereditary diffuse gastric adenocarcinoma (HDGC). Also called: DIFFUSE GASTRIC AND LOBULAR BREAST CANCER SYNDROME. Identifiers: Orphanet 26106, MedGen C1708349, MONDO:0007648, OMIM 137215.

Allele frequency attached by ClinVar (database versions not stated): gnomAD exomes below 0.00001.
gnomAD v4.1: 1 of 1,614,172 alleles (0.000062%); highest among the groups gnomAD compares: Non-Finnish European, 0.000085%; no homozygotes.

Submissions (4):

Ambry Genetics
Classification: Likely benign for Hereditary cancer-predisposing syndrome. Last evaluated: 2026-05-31. Review status: criteria provided, single submitter. Criteria: Ambry Variant Classification Scheme 2023. Collection method: clinical testing. Allele origin: germline.

Myriad Genetics, Inc.
Classification: Benign for Hereditary diffuse gastric adenocarcinoma. Last evaluated: 2024-09-18. Review status: criteria provided, single submitter. Criteria: Myriad Autosomal Dominant, Autosomal Recessive and X-Linked Classification Criteria (2023). Collection method: clinical testing. Allele origin: unknown.
Comment: This variant is considered benign. This variant is a silent/synonymous amino acid change and it is not expected to impact splicing.

European Reference Network on Genetic Tumour Risk Syndromes (ERN-GENTURIS), i3s - Instituto de Investigação e Inovação em Saúde, University of Porto
Classification: Uncertain significance for Hereditary diffuse gastric adenocarcinoma. Last evaluated: 2022-08-01. Review status: criteria provided, single submitter. Criteria: Lee et al. (Hum Mutat. 2018). Collection method: clinical testing. Allele origin: germline. Inheritance: Autosomal dominant inheritance. Affected: no. Study: ERN GENTURIS.
Comment: PM2; BP7 (PMID: 30311375)

GeneDx
Classification: Likely benign. Last evaluated: 2017-06-14. Review status: criteria provided, single submitter. Criteria: GeneDx Variant Classification (06012015). Collection method: clinical testing. Allele origin: germline. Affected: yes.
Comment: This variant is considered likely benign or benign based on one or more of the following criteria: it is a conservative change, it occurs at a poorly conserved position in the protein, it is predicted to be benign by multiple in silico algorithms, and/or has population frequency not consistent with disease.

Literature cited by the submitters: PubMed 36436516 (cited by European Reference Network on Genetic Tumour Risk Syndromes (ERN-GENTURIS), i3s - Instituto de Investigação e Inovação em Saúde, University of Porto).

NM_004360.5(CDH1):c.1194G>A (p.Val398=)

Gene: CDH1 (cadherin 1; plus strand). Cytogenetic location: 16q22.1.
Variant type: single nucleotide variant.
Coding change: c.1194G>A on transcript NM_004360.5 (MANE Select); coding-DNA position 1194, G replaced by A.
Protein change: p.Val398=; no amino-acid change (valine 398 retained).
Molecular consequence: synonymous variant. On other transcripts: 5 prime UTR variant (2), intron variant (1).
Genome position (GRCh38, 1-based): chr16:68,813,369, G>A. VCF-style: chr16-68813369-G-A. GRCh37 (hg19) VCF-style: chr16-68847272-G-A.
Other names: c.-422G>A (NM_001317185.2); c.-626G>A (NM_001317186.2); c.1137+1106G>A (NM_001317184.2); c.1194G>A (NM_004360.4, LRG_301t1).
Identifiers: ClinVar variation 518015 (VCV000518015.4), dbSNP rs1303655653, ClinGen allele CA496392634.